The following is an entry in ClinVar:

NM_000553.6(WRN):c.896dup (p.Ile300fs)

Gene: WRN (WRN RecQ like helicase; plus strand). Cytogenetic location: 8p12.
Variant type: Duplication.
Coding change: c.896dup on transcript NM_000553.6 (MANE Select); coding-DNA position 896, one base duplicated (T; older notation c.896dupT).
Protein change: p.Ile300fs; shifts the reading frame from isoleucine 300.
Molecular consequence: frameshift variant.
Genome position (GRCh38, 1-based): chr8:31,080,923, T duplicated. VCF-style (leftmost placement, unchanged base first): chr8-31080922-A-AT. GRCh37 (hg19) VCF-style: chr8-30938438-A-AT.
Other names: short protein forms I300fs.
Identifiers: ClinVar variation 935462 (VCV000935462.6), dbSNP rs757968518, ClinGen allele CA4704219.
Genomic context (GRCh38, chr8:31,080,922, plus strand): 5'-TTTAGGGTTTCTATCTTACTAAAGGATATTTCAGAAAATCTATATTCACTGAGGAGGATG[A>AT]TAATTGGGTCTACTAACATTGAGACTGAACTGAGGCCCAGCAATAATTTAAACTTATTAT-3'

ClinVar aggregate classification (germline): Pathogenic (1 of 4 stars; one submission).

Conditions:
Werner syndrome (WRN). Identifiers: Orphanet 902, MedGen C0043119, MONDO:0010196, OMIM 277700.

Allele frequency attached by ClinVar (database versions not stated): TOPMed below 0.00001; gnomAD exomes 0.00001 and 0.00002; ExAC 0.00003.

Submission:

Labcorp Genetics (formerly Invitae), Labcorp
Classification: Pathogenic for Werner syndrome. Last evaluated: 2024-10-23. Review status: criteria provided, single submitter. Criteria: Invitae Variant Classification Sherloc (09022015). Collection method: clinical testing. Allele origin: germline.
Comment: This sequence change creates a premature translational stop signal (p.Ile300Asnfs*5) in the WRN gene. It is expected to result in an absent or disrupted protein product. Loss-of-function variants in WRN are known to be pathogenic (PMID: 16673358). This variant is present in population databases (rs757968518, gnomAD 0.02%). This variant has not been reported in the literature in individuals affected with WRN-related conditions. ClinVar contains an entry for this variant (Variation ID: 935462). For these reasons, this variant has been classified as Pathogenic.

Literature cited by the submitters: PubMed 16673358.